The following is an entry in ClinVar:

ClinVar aggregate classification (germline): Uncertain significance (1 of 4 stars; one submission).

Conditions:
Dyskeratosis congenita. Identifiers: Orphanet 1775, MedGen C0265965, MONDO:0015780.

Allele frequency attached by ClinVar (database versions not stated): gnomAD exomes below 0.00001; TOPMed below 0.00001; gnomAD 0.00001.
gnomAD v4.1: 3 of 1,586,254 alleles (0.00019%); highest among the groups gnomAD compares: Admixed American, 0.0017%; no homozygotes.

Submission:

Ambry Genetics
Classification: Uncertain significance for Dyskeratosis congenita. Last evaluated: 2023-04-14. Review status: criteria provided, single submitter. Criteria: Ambry Variant Classification Scheme 2023. Collection method: clinical testing. Allele origin: germline.
Comment: The p.G106A variant (also known as c.317G>C), located in coding exon 2 of the TERT gene, results from a G to C substitution at nucleotide position 317. The glycine at codon 106 is replaced by alanine, an amino acid with similar properties. This amino acid position is conserved. In addition, this alteration is predicted to be tolerated by in silico analysis. Since supporting evidence is limited at this time, the clinical significance of this alteration remains unclear.

NM_198253.3(TERT):c.317G>C (p.Gly106Ala)

Gene: TERT (telomerase reverse transcriptase; minus strand). Cytogenetic location: 5p15.33.
Variant type: single nucleotide variant.
Coding change: c.317G>C on transcript NM_198253.3 (MANE Select); coding-DNA position 317, G replaced by C.
Protein change: p.Gly106Ala; replaces glycine 106 with alanine.
Molecular consequence: missense variant. On other transcripts: non-coding transcript variant (2).
Genome position (GRCh38, 1-based): chr5:1,294,569, C>G on the plus strand (G>C on the coding strand, the complement: TERT is on the minus strand). VCF-style: chr5-1294569-C-G. GRCh37 (hg19) VCF-style: chr5-1294684-C-G.
Other names: c.317G>C, p.Gly106Ala (NM_001193376.3, NM_003219.1); short protein forms G106A.
Identifiers: ClinVar variation 3238599 (VCV003238599.1), dbSNP rs1024983534.
Genomic context (GRCh38, chr5:1,294,569, plus strand): 5'-GTGTTGGGCAGGTAGCTGCGCACGCTGGTGGTGAAGGCCTCGGGGGGGCCCCCGCGGGCC[C>G]CGTCCAGCAGCGCGAAGCCGAAGGCCAGCACGTTCTTCGCGCCGCGCTCGCACAGCCTCT-3'
Protein context (NP_937983.2, residues 96-116): VLAFGFALLD[Gly106Ala]ARGGPPEAFT